The following is an entry in ClinVar:

ClinVar aggregate classification (germline): Uncertain significance. Review status: criteria provided, multiple submitters, no conflicts (2 of 4 stars). 4 submissions from 4 submitters: Uncertain significance (4). Last evaluated 2022-06-04.

Conditions:
Inborn genetic diseases. Identifiers: MedGen C0950123, MeSH D030342.
Emery-Dreifuss muscular dystrophy 4, autosomal dominant (EDMD4). Also called: EMERY-DREIFUSS MUSCULAR DYSTROPHY 4 WITH VARIABLE FEATURES. Identifiers: Orphanet 261, MedGen C2751807, MONDO:0013071, OMIM 612998.
Autosomal recessive ataxia, Beauce type. Also called: Spinocerebellar ataxia, autosomal recessive 8; SYNE1-Related Autosomal Recessive Cerebellar Ataxia; SYNE1 Deficiency; ATAXIA, RECESSIVE, OF BEAUCE. Identifiers: Orphanet 88644, MedGen C1853116, MONDO:0012549, OMIM 610743.

Allele frequency attached by ClinVar (database versions not stated): ExAC 0.00001; gnomAD 0.00001; gnomAD exomes 0.00002 and 0.00005; TOPMed 0.00003.
gnomAD v4.1: 75 of 1,614,020 alleles (0.0046%); highest among the groups gnomAD compares: Non-Finnish European, 0.0057%; no homozygotes.

Submissions (4):

Labcorp Genetics (formerly Invitae), Labcorp
Classification: Uncertain significance for Emery-Dreifuss muscular dystrophy 4, autosomal dominant; Autosomal recessive ataxia, Beauce type. Last evaluated: 2022-06-04. Review status: criteria provided, single submitter. Criteria: Invitae Variant Classification Sherloc (09022015). Collection method: clinical testing. Allele origin: germline.
Comment: This sequence change replaces arginine, which is basic and polar, with histidine, which is basic and polar, at codon 6915 of the SYNE1 protein (p.Arg6915His). This variant is present in population databases (rs772675312, gnomAD 0.006%). This variant has not been reported in the literature in individuals affected with SYNE1-related conditions. ClinVar contains an entry for this variant (Variation ID: 285146). Algorithms developed to predict the effect of missense changes on protein structure and function (SIFT, PolyPhen-2, Align-GVGD) all suggest that this variant is likely to be disruptive. In summary, the available evidence is currently insufficient to determine the role of this variant in disease. Therefore, it has been classified as a Variant of Uncertain Significance.

Blueprint Genetics
Classification: Uncertain significance. Last evaluated: 2022-05-25. Review status: criteria provided, single submitter. Criteria: ACMG Guidelines, 2015. Collection method: clinical testing. Allele origin: germline.

Ambry Genetics
Classification: Uncertain significance for Inborn genetic diseases. Last evaluated: 2021-07-14. Review status: criteria provided, single submitter. Criteria: Ambry Variant Classification Scheme 2023. Collection method: clinical testing. Allele origin: germline.

Eurofins Ntd Llc (ga)
Classification: Uncertain significance. Last evaluated: 2015-12-09. Review status: criteria provided, single submitter. Criteria: EGL Classification Definitions 2015. Collection method: clinical testing. Allele origin: germline. Observed: 1 variant allele, 1 heterozygote.

NM_182961.4(SYNE1):c.20957G>A (p.Arg6986His)

Gene: SYNE1 (spectrin repeat containing nuclear envelope protein 1; minus strand). Cytogenetic location: 6q25.2.
Variant type: single nucleotide variant.
Coding change: c.20957G>A on transcript NM_182961.4 (MANE Select); coding-DNA position 20957, G replaced by A.
Protein change: p.Arg6986His; replaces arginine 6986 with histidine.
Molecular consequence: missense variant.
Genome position (GRCh38, 1-based): chr6:152,231,473, C>T on the plus strand (G>A on the coding strand, the complement: SYNE1 is on the minus strand). VCF-style: chr6-152231473-C-T. GRCh37 (hg19) VCF-style: chr6-152552608-C-T.
Other names: c.20744G>A, p.Arg6915His (NM_033071.5); short protein forms R6986H, R6915H.
Identifiers: ClinVar variation 285146 (VCV000285146.12), dbSNP rs772675312, ClinGen allele CA4054286.